The following is an entry in ClinVar:

ClinVar aggregate classification (germline): Uncertain significance. Review status: criteria provided, single submitter (1 of 4 stars). 2 submissions from 2 submitters: Uncertain significance (1). 1 of the submissions does not count toward it.

Conditions:
Autosomal recessive nonsyndromic hearing loss 4 (DFNB4). Also called: FOXI1-Related Pendred Syndrome; KCNJ10-Related Pendred Syndrome; Deafness, autosomal recessive 4, with enlarged vestibular aqueduct; Deafness, autosomal recessive 4; NEUROSENSORY NONSYNDROMIC RECESSIVE DEAFNESS 4; Nonsyndromic enlarged vestibular aqueduct (NSEVA). Identifiers: Orphanet 90636, MedGen C3538946, MONDO:0010933, OMIM 600791.
Pendred syndrome (PDS). Also called: Pendred's syndrome; THYROID DYSHORMONOGENESIS 2B; THYROID HORMONOGENESIS, GENETIC DEFECT IN, 2B; DEAFNESS WITH GOITER; GOITER-DEAFNESS SYNDROME; HYPOTHYROIDISM, CONGENITAL, DUE TO DYSHORMONOGENESIS, 2B. Identifiers: Orphanet 705, MedGen C0271829, MONDO:0010134, OMIM 274600.

Allele frequency attached by ClinVar (database versions not stated): gnomAD exomes below 0.00001 and 0.00001; ExAC 0.00001; TOPMed 0.00001.

Submissions (2):

Juno Genomics, Hangzhou Juno Genomics, Inc
Classification: Uncertain significance for Autosomal recessive nonsyndromic hearing loss 4; Pendred syndrome. Review status: criteria provided, single submitter. Criteria: ACMG Guidelines, 2015. Collection method: clinical testing. Allele origin: germline.
Comment: Absent from controls (or at extremely low frequency if recessive) in Genome Aggregation Database.;Multiple lines of computational evidence support a deleterious effect on the gene or gene product.;For recessive disorders, detected in trans with a pathogenic variant.

Counsyl
Classification: Uncertain significance for Pendred syndrome. Last evaluated: 2017-10-24. Review status: no assertion criteria provided. Collection method: clinical testing. Allele origin: unknown. Not counted in ClinVar's aggregate classification.

Literature cited by the submitters: PubMed 25372295 (cited by Counsyl).

NM_000441.2(SLC26A4):c.400A>G (p.Arg134Gly)

Gene: SLC26A4 (solute carrier family 26 member 4; plus strand). Cytogenetic location: 7q22.3.
Variant type: single nucleotide variant.
Coding change: c.400A>G on transcript NM_000441.2 (MANE Select); coding-DNA position 400, A replaced by G.
Protein change: p.Arg134Gly; replaces arginine 134 with glycine.
Molecular consequence: missense variant.
Genome position (GRCh38, 1-based): chr7:107,672,233, A>G. VCF-style: chr7-107672233-A-G. GRCh37 (hg19) VCF-style: chr7-107312678-A-G.
Other names: short protein forms R134G.
Identifiers: ClinVar variation 554308 (VCV000554308.4), dbSNP rs751256128, ClinGen allele CA4432442.